The following is an entry in ClinVar:

NM_001374675.1(HSF4):c.8A>G (p.Glu3Gly)

Genes: HSF4 (heat shock transcription factor 4; plus strand), LOC125177334 (Sharpr-MPRA regulatory region 11796; plus strand). Cytogenetic location: 16q22.1.
Variant type: single nucleotide variant.
Coding change: c.8A>G on transcript NM_001374675.1 (MANE Select); coding-DNA position 8, A replaced by G.
Protein change: p.Glu3Gly; replaces glutamic acid 3 with glycine.
Molecular consequence: missense variant.
Genome position (GRCh38, 1-based): chr16:67,164,819, A>G. VCF-style: chr16-67164819-A-G. GRCh37 (hg19) VCF-style: chr16-67198722-A-G.
Other names: c.8A>G, p.Glu3Gly (NM_001040667.3, NM_001374674.1, NM_001538.4); short protein forms E3G.
Identifiers: ClinVar variation 459610 (VCV000459610.6), dbSNP rs753084587, ClinGen allele CA8101673.
Genomic context (GRCh38, chr16:67,164,819, plus strand): 5'-TGACGAGCCCGCAGCGGCCGGGCCCGAGCGCAGAGCCGGGCCGAGACTGCACCATGCAGG[A>G]AGCGCCAGCTGCGCTGCCCACGGAGCCAGGCCCCAGCCCCGTGCCTGCCTTCCTCGGCAA-3'
Protein context (NP_001361604.1, residues 1-13): MQ[Glu3Gly]APAALPTEPG

ClinVar aggregate classification (germline): Uncertain significance. Review status: criteria provided, multiple submitters, no conflicts (2 of 4 stars). 3 submissions from 3 submitters: Uncertain significance (2). 1 of the submissions does not count toward it. Last evaluated 2026-01-06.

Conditions:
HSF4-related disorder. Also called: HSF4-related condition.
Cataract 5 multiple types (CTRCT5). Also called: CATARACT 5, LAMELLAR; Lamellar cataract; CATARACT, MARNER TYPE. Identifiers: Orphanet 91492, MedGen C0266537, MONDO:0007290, OMIM 116800, HP:0007971.

Allele frequency attached by ClinVar (database versions not stated): gnomAD 0.00001 and 0.00005; gnomAD exomes 0.00004 and 0.00010; TOPMed 0.00004; ExAC 0.00013.
gnomAD v4.1: 74 of 1,600,204 alleles (0.0046%); highest among the groups gnomAD compares: South Asian, 0.063%; no homozygotes.

Submissions (3):

Labcorp Genetics (formerly Invitae), Labcorp
Classification: Uncertain significance for Cataract 5 multiple types. Last evaluated: 2026-01-06. Review status: criteria provided, single submitter. Criteria: Invitae Variant Classification Sherloc (09022015). Collection method: clinical testing. Allele origin: germline.
Comment: This sequence change replaces glutamic acid, which is acidic and polar, with glycine, which is neutral and non-polar, at codon 3 of the HSF4 protein (p.Glu3Gly). This variant is present in population databases (rs753084587, gnomAD 0.07%). This variant has not been reported in the literature in individuals affected with HSF4-related conditions. ClinVar contains an entry for this variant (Variation ID: 459610). An algorithm developed to predict the effect of missense changes on protein structure and function (PolyPhen-2) suggests that this variant is likely to be disruptive. In summary, the available evidence is currently insufficient to determine the role of this variant in disease. Therefore, it has been classified as a Variant of Uncertain Significance.

GeneDx
Classification: Uncertain significance. Last evaluated: 2022-05-04. Review status: criteria provided, single submitter. Criteria: GeneDx Variant Classification Process June 2021. Collection method: clinical testing. Allele origin: germline. Affected: yes.
Comment: In silico analysis supports that this missense variant does not alter protein structure/function; Has not been previously published as pathogenic or benign to our knowledge

PreventionGenetics, part of Exact Sciences
Classification: Likely benign for HSF4-related condition. Last evaluated: 2024-05-10. Review status: no assertion criteria provided. Collection method: clinical testing. Allele origin: germline. Not counted in ClinVar's aggregate classification.
Comment: This variant is classified as likely benign based on ACMG/AMP sequence variant interpretation guidelines (Richards et al. 2015 PMID: 25741868, with internal and published modifications).